The following is an entry in ClinVar:

ClinVar aggregate classification (germline): Pathogenic (1 of 4 stars; one submission).

Submission:

Labcorp Genetics (formerly Invitae), Labcorp
Classification: Pathogenic. Last evaluated: 2022-12-07. Review status: criteria provided, single submitter. Criteria: Invitae Variant Classification Sherloc (09022015). Collection method: clinical testing. Allele origin: germline.
Comment: For these reasons, this variant has been classified as Pathogenic. This variant disrupts a region of the TRPM1 protein in which other variant(s) (p.Ser1176*) have been determined to be pathogenic (Invitae). This suggests that this is a clinically significant region of the protein, and that variants that disrupt it are likely to be disease-causing. This variant has not been reported in the literature in individuals affected with TRPM1-related conditions. This variant is not present in population databases (gnomAD no frequency). This sequence change creates a premature translational stop signal (p.Gln1164Profs*10) in the TRPM1 gene. While this is not anticipated to result in nonsense mediated decay, it is expected to disrupt the last 440 amino acid(s) of the TRPM1 protein.

NM_001252024.2(TRPM1):c.3556dup (p.Gln1186fs)

Genes: TRPM1-AS1 (TRPM1 antisense RNA 1; plus strand), TRPM1 (transient receptor potential cation channel subfamily M member 1; minus strand), LOC126862088 (BRD4-independent group 4 enhancer GRCh37_chr15:31318084-31319283; plus strand). Cytogenetic location: 15q13.3.
Variant type: Duplication.
Coding change: c.3556dup on transcript NM_001252024.2 (MANE Select); coding-DNA position 3556, one base duplicated (C; older notation c.3556dupC).
Protein change: p.Gln1186fs; shifts the reading frame from glutamine 1186.
Molecular consequence: frameshift variant.
Genome position (GRCh38, 1-based): chr15:31,026,212, G duplicated on the plus strand (C on the coding strand, the reverse complement: TRPM1 is on the minus strand). VCF-style (leftmost placement, unchanged base first): chr15-31026211-T-TG. GRCh37 (hg19) VCF-style: chr15-31318414-T-TG.
Other names: c.3607dup, p.Gln1203fs (NM_001252020.2); c.3490dup, p.Gln1164fs (NM_002420.6); short protein forms Q1164fs, Q1186fs, Q1203fs.
Identifiers: ClinVar variation 2819060 (VCV002819060.3), dbSNP rs2543159863, ClinGen allele CA2739279483.